The following is an entry in ClinVar:

ClinVar aggregate classification (germline): Uncertain significance. Review status: criteria provided, multiple submitters, no conflicts (2 of 4 stars). 3 submissions from 3 submitters: Uncertain significance (3). Last evaluated 2025-07-31.

Conditions:
Primary ciliary dyskinesia. Also called: Ciliary dyskinesia. Identifiers: Orphanet 244, MedGen C0008780, MONDO:0016575, HP:0012265.

Allele frequency attached by ClinVar (database versions not stated): gnomAD 0.00001; gnomAD exomes 0.00001; TOPMed 0.00003.
gnomAD v4.1: 9 of 1,612,366 alleles (0.00056%); highest among the groups gnomAD compares: African/African-American, 0.0093%; no homozygotes.

Submissions (3):

Ambry Genetics
Classification: Uncertain significance. Last evaluated: 2025-07-31. Review status: criteria provided, single submitter. Criteria: Ambry Variant Classification Scheme 2023. Collection method: clinical testing. Allele origin: germline.

Mayo Clinic Laboratories, Mayo Clinic
Classification: Uncertain significance. Last evaluated: 2023-06-21. Review status: criteria provided, single submitter. Criteria: ACMG Guidelines, 2015. Collection method: clinical testing. Allele origin: germline. Observed: 1 variant allele.

Labcorp Genetics (formerly Invitae), Labcorp
Classification: Uncertain significance for Primary ciliary dyskinesia. Last evaluated: 2023-03-01. Review status: criteria provided, single submitter. Criteria: Invitae Variant Classification Sherloc (09022015). Collection method: clinical testing. Allele origin: germline.
Comment: In summary, the available evidence is currently insufficient to determine the role of this variant in disease. Therefore, it has been classified as a Variant of Uncertain Significance. This sequence change replaces glutamine, which is neutral and polar, with arginine, which is basic and polar, at codon 2183 of the DNAH8 protein (p.Gln2183Arg). This variant is present in population databases (no rsID available, gnomAD 0.008%). This variant has not been reported in the literature in individuals affected with DNAH8-related conditions. ClinVar contains an entry for this variant (Variation ID: 2151114). Advanced modeling of protein sequence and biophysical properties (such as structural, functional, and spatial information, amino acid conservation, physicochemical variation, residue mobility, and thermodynamic stability) performed at Invitae indicates that this missense variant is expected to disrupt DNAH8 protein function.

NM_001206927.2(DNAH8):c.6548A>G (p.Gln2183Arg)

Gene: DNAH8 (dynein axonemal heavy chain 8; plus strand). Cytogenetic location: 6p21.2.
Variant type: single nucleotide variant.
Coding change: c.6548A>G on transcript NM_001206927.2 (MANE Select); coding-DNA position 6548, A replaced by G.
Protein change: p.Gln2183Arg; replaces glutamine 2183 with arginine.
Molecular consequence: missense variant.
Genome position (GRCh38, 1-based): chr6:38,866,640, A>G. VCF-style: chr6-38866640-A-G. GRCh37 (hg19) VCF-style: chr6-38834416-A-G.
Other names: p.Gln2183Arg; c.5897A>G, p.Gln1966Arg (NM_001371.4); c.6548A>G (NM_001206927.1); short protein forms Q2183R, Q1966R.
Identifiers: ClinVar variation 2151114 (VCV002151114.6), dbSNP rs892309036, ClinGen allele CA137593785.